The following is an entry in ClinVar:

ClinVar aggregate classification (germline): Uncertain significance (1 of 4 stars; one submission).

Conditions:
Immunodeficiency 39 (IMD39). Identifiers: Orphanet 574918, MedGen C4225358, MONDO:0014597, OMIM 616345.

Allele frequency attached by ClinVar (database versions not stated): TOPMed below 0.00001; gnomAD 0.00001.

Submission:

Labcorp Genetics (formerly Invitae), Labcorp
Classification: Uncertain significance for Immunodeficiency 39. Last evaluated: 2024-02-09. Review status: criteria provided, single submitter. Criteria: Invitae Variant Classification Sherloc (09022015). Collection method: clinical testing. Allele origin: germline.
Comment: This sequence change replaces histidine, which is basic and polar, with glutamine, which is neutral and polar, at codon 278 of the IRF7 protein (p.His278Gln). This variant is not present in population databases (gnomAD no frequency). This variant has not been reported in the literature in individuals affected with IRF7-related conditions. Advanced modeling of protein sequence and biophysical properties (such as structural, functional, and spatial information, amino acid conservation, physicochemical variation, residue mobility, and thermodynamic stability) performed at Invitae indicates that this missense variant is not expected to disrupt IRF7 protein function with a negative predictive value of 80%. In summary, the available evidence is currently insufficient to determine the role of this variant in disease. Therefore, it has been classified as a Variant of Uncertain Significance.

NM_001572.5(IRF7):c.795C>G (p.His265Gln)

Gene: IRF7 (interferon regulatory factor 7; minus strand). Cytogenetic location: 11p15.5.
Variant type: single nucleotide variant.
Coding change: c.795C>G on transcript NM_001572.5 (MANE Select); coding-DNA position 795, C replaced by G.
Protein change: p.His265Gln; replaces histidine 265 with glutamine.
Molecular consequence: missense variant.
Genome position (GRCh38, 1-based): chr11:613,837, G>C on the plus strand (C>G on the coding strand, the complement: IRF7 is on the minus strand). VCF-style: chr11-613837-G-C. GRCh37 (hg19) VCF-style: chr11-613837-G-C.
Other names: c.708C>G, p.His236Gln (NM_004029.4); c.834C>G, p.His278Gln (NM_004031.4); short protein forms H278Q, H236Q, H265Q.
Identifiers: ClinVar variation 2722283 (VCV002722283.3), dbSNP rs1344087331, ClinGen allele CA378979904.